The following is an entry in ClinVar:

ClinVar aggregate classification (germline): Likely benign. Review status: criteria provided, multiple submitters, no conflicts (2 of 4 stars). 2 submissions from 2 submitters: Likely benign (2). Last evaluated 2025-06-24.

Conditions:
Martsolf syndrome (MARTS). Also called: Congenital cataract with intellectual disability and hypogonadotropic hypogonadism syndrome. Identifiers: Orphanet 1387, MedGen C0796037, MONDO:0023910.
Warburg micro syndrome 2 (WARBM2). Also called: MICRO SYNDROME 2. Identifiers: Orphanet 2510, MedGen C3280214, MONDO:0013641, OMIM 614225.

Allele frequency attached by ClinVar (database versions not stated): gnomAD exomes below 0.00001; ExAC 0.00001.
gnomAD v4.1: 2 of 1,613,974 alleles (0.00012%); highest among the groups gnomAD compares: Admixed American, 0.0017%; no homozygotes.

Submissions (2):

Mayo Clinic Laboratories, Mayo Clinic
Classification: Likely benign. Last evaluated: 2025-06-24. Review status: criteria provided, single submitter. Criteria: ACMG Guidelines, 2015. Collection method: clinical testing. Allele origin: germline. Observed: 1 variant allele.
Comment: BP4, BP7

Labcorp Genetics (formerly Invitae), Labcorp
Classification: Likely benign for Martsolf syndrome; Warburg micro syndrome 2. Last evaluated: 2021-07-04. Review status: criteria provided, single submitter. Criteria: Invitae Variant Classification Sherloc (09022015). Collection method: clinical testing. Allele origin: germline.

NM_012414.4(RAB3GAP2):c.4119G>A (p.Gly1373=)

Gene: RAB3GAP2 (RAB3 GTPase activating non-catalytic protein subunit 2; minus strand). Cytogenetic location: 1q41.
Variant type: single nucleotide variant.
Coding change: c.4119G>A on transcript NM_012414.4 (MANE Select); coding-DNA position 4119, G replaced by A.
Protein change: p.Gly1373=; no amino-acid change (glycine 1373 retained).
Molecular consequence: synonymous variant.
Genome position (GRCh38, 1-based): chr1:220,151,314, C>T on the plus strand (G>A on the coding strand, the complement: RAB3GAP2 is on the minus strand). VCF-style: chr1-220151314-C-T. GRCh37 (hg19) VCF-style: chr1-220324656-C-T.
Other names: p.Gly1373=.
Identifiers: ClinVar variation 1673927 (VCV001673927.9), dbSNP rs763962470, ClinGen allele CA1401953.